The following is an entry in ClinVar:

NM_006015.6(ARID1A):c.5001G>A (p.Pro1667=)

Gene: ARID1A (AT-rich interaction domain 1A; plus strand). Cytogenetic location: 1p36.11.
Variant type: single nucleotide variant.
Coding change: c.5001G>A on transcript NM_006015.6 (MANE Select); coding-DNA position 5001, G replaced by A.
Protein change: p.Pro1667=; no amino-acid change (proline 1667 retained).
Molecular consequence: synonymous variant.
Genome position (GRCh38, 1-based): chr1:26,775,584, G>A. VCF-style: chr1-26775584-G-A. GRCh37 (hg19) VCF-style: chr1-27102075-G-A.
Other names: c.4350G>A, p.Pro1450= (NM_139135.4); c.5001G>A (LRG_875t1).
Identifiers: ClinVar variation 126310 (VCV000126310.45), dbSNP rs116540923, ClinGen allele CA151023.
Genomic context (GRCh38, chr1:26,775,584, plus strand): 5'-TGCCTCCAGCCAACCTGGGCTTGGTGGATAGACGACATGGAGGTTTATTTCAGGAACCCC[G>A]GAGGCATGGCGGGTAATGATGTCCCTCAAGTCTGGTCTCCTGGCAGAGAGCACATGGGCA-3'
Protein context (NP_006006.3, residues 1657-1677): RRLTMKDIGT[Pro1667=]EAWRVMMSLK

ClinVar aggregate classification (germline): Benign/Likely benign. Review status: criteria provided, multiple submitters, no conflicts (2 of 4 stars). 7 submissions from 7 submitters: Benign (5); Likely benign (2). Last evaluated 2026-03-01.

Conditions:
Intellectual disability, autosomal dominant 14 (CSS2). Also called: COFFIN-SIRIS SYNDROME 2. Identifiers: Orphanet 1465, MedGen C3553247, MONDO:0013819, OMIM 614607.

Allele frequency attached by ClinVar (database versions not stated): gnomAD exomes 0.00043 and 0.00106; ExAC 0.00138; gnomAD 0.00346 and 0.00363; ESP Exome Variant Server 0.00369; TOPMed 0.00393; 1000 Genomes Project 30x 0.00562; 1000 Genomes Project 0.00599.
gnomAD v4.1: 1,202 of 1,614,064 alleles (0.074%); highest among the groups gnomAD compares: African/African-American, 1.2%; 6 homozygotes.

Submissions (7):

CeGaT Center for Human Genetics Tuebingen
Classification: Likely benign. Last evaluated: 2026-03-01. Review status: criteria provided, single submitter. Criteria: CeGaT Center For Human Genetics Tuebingen Variant Classification Criteria Version 2. Collection method: clinical testing. Allele origin: germline. Affected: yes. Observed: 5 variant alleles.
Comment: ARID1A: BP4, BP7, BS1

Labcorp Genetics (formerly Invitae), Labcorp
Classification: Benign. Last evaluated: 2026-01-13. Review status: criteria provided, single submitter. Criteria: Invitae Variant Classification Sherloc (09022015). Collection method: clinical testing. Allele origin: germline.

Blueprint Genetics
Classification: Likely benign. Last evaluated: 2024-11-01. Review status: criteria provided, single submitter. Criteria: ACMG Guidelines, 2015. Collection method: clinical testing. Allele origin: germline.

Genome-Nilou Lab
Classification: Benign for Intellectual disability, autosomal dominant 14. Last evaluated: 2021-12-05. Review status: criteria provided, single submitter. Criteria: ACMG Guidelines, 2015. Collection method: clinical testing. Allele origin: germline. Affected: no.

Genetic Services Laboratory, University of Chicago
Classification: Benign. Last evaluated: 2021-07-19. Review status: criteria provided, single submitter. Criteria: ACMG Guidelines, 2015. Collection method: clinical testing. Allele origin: germline. Affected: no.

GeneDx
Classification: Benign. Last evaluated: 2020-01-24. Review status: criteria provided, single submitter. Criteria: GeneDx Variant Classification Process June 2021. Collection method: clinical testing. Allele origin: germline. Affected: yes.

Breakthrough Genomics
Classification: Benign. Review status: criteria provided, single submitter. Criteria: ACMG Guidelines, 2015. Collection method: not provided. Allele origin: germline. Inheritance: Autosomal dominant inheritance. Affected: yes.